The following is an entry in ClinVar:

NM_000132.4(F8):c.5517A>G (p.Gln1839=)

Gene: F8 (coagulation factor VIII; minus strand). Cytogenetic location: Xq28.
Variant type: single nucleotide variant.
Coding change: c.5517A>G on transcript NM_000132.4 (MANE Select); coding-DNA position 5517, A replaced by G.
Protein change: p.Gln1839=; no amino-acid change (glutamine 1839 retained).
Molecular consequence: synonymous variant.
Genome position (GRCh38, 1-based): chrX:154,904,880, T>C on the plus strand (A>G on the coding strand, the complement: F8 is on the minus strand). VCF-style: chrX-154904880-T-C. GRCh37 (hg19) VCF-style: chrX-154133155-T-C.
Identifiers: ClinVar variation 3054017 (VCV003054017.18), dbSNP rs1557276220, ClinGen allele CA519357149.

ClinVar aggregate classification (germline): Likely benign. Review status: criteria provided, single submitter (1 of 4 stars). 2 submissions from 2 submitters: Likely benign (1). 1 of the submissions does not count toward it. Last evaluated 2024-07-01.

Conditions:
F8-related disorder. Also called: F8-related condition.

Allele frequency attached by ClinVar (database versions not stated): gnomAD exomes below 0.00001.
gnomAD v4.1: 7 of 1,211,250 alleles (0.00058%); highest among the groups gnomAD compares: South Asian, 0.007%; no homozygotes.

Submissions (2):

CeGaT Center for Human Genetics Tuebingen
Classification: Likely benign. Last evaluated: 2024-07-01. Review status: criteria provided, single submitter. Criteria: CeGaT Center For Human Genetics Tuebingen Variant Classification Criteria Version 2. Collection method: clinical testing. Allele origin: germline. Affected: yes. Observed: 1 variant allele.
Comment: F8: BP4, BP7

PreventionGenetics, part of Exact Sciences
Classification: Likely benign for F8-related condition. Last evaluated: 2021-10-01. Review status: no assertion criteria provided. Collection method: clinical testing. Allele origin: germline. Not counted in ClinVar's aggregate classification.
Comment: This variant is classified as likely benign based on ACMG/AMP sequence variant interpretation guidelines (Richards et al. 2015 PMID: 25741868, with internal and published modifications).